The following is an entry in ClinVar:

ClinVar aggregate classification (germline): Likely benign. Review status: criteria provided, multiple submitters, no conflicts (2 of 4 stars). 3 submissions from 3 submitters: Likely benign (3). Last evaluated 2025-11-17.

Allele frequency attached by ClinVar (database versions not stated): TOPMed 0.00013.
gnomAD v4.1: 90 of 1,613,796 alleles (0.0056%); highest among the groups gnomAD compares: Admixed American, 0.067%; no homozygotes.

Submissions (3):

Labcorp Genetics (formerly Invitae), Labcorp
Classification: Likely benign. Last evaluated: 2025-11-17. Review status: criteria provided, single submitter. Criteria: Invitae Variant Classification Sherloc (09022015). Collection method: clinical testing. Allele origin: germline.

Mayo Clinic Laboratories, Mayo Clinic
Classification: Likely benign. Last evaluated: 2025-02-10. Review status: criteria provided, single submitter. Criteria: ACMG Guidelines, 2015. Collection method: clinical testing. Allele origin: germline. Observed: 1 variant allele.
Comment: BP4, BP7

Blueprint Genetics
Classification: Likely benign. Last evaluated: 2021-04-29. Review status: criteria provided, single submitter. Criteria: ACMG Guidelines, 2015. Collection method: clinical testing. Allele origin: germline.

NM_003047.5(SLC9A1):c.2181C>T (p.Pro727=)

Gene: SLC9A1 (solute carrier family 9 member A1; minus strand). Cytogenetic location: 1p36.11.
Variant type: single nucleotide variant.
Coding change: c.2181C>T on transcript NM_003047.5 (MANE Select); coding-DNA position 2181, C replaced by T.
Protein change: p.Pro727=; no amino-acid change (proline 727 retained).
Molecular consequence: synonymous variant. On other transcripts: non-coding transcript variant (1).
Genome position (GRCh38, 1-based): chr1:27,100,574, G>A on the plus strand (C>T on the coding strand, the complement: SLC9A1 is on the minus strand). VCF-style: chr1-27100574-G-A. GRCh37 (hg19) VCF-style: chr1-27427065-G-A.
Other names: p.Pro727=.
Identifiers: ClinVar variation 2055457 (VCV002055457.6), dbSNP rs545801890, ClinGen allele CA710846.